The following is an entry in ClinVar:

NM_001378609.3(OTOGL):c.454G>T (p.Asp152Tyr)

Gene: OTOGL (otogelin like; plus strand). Cytogenetic location: 12q21.31.
Variant type: single nucleotide variant.
Coding change: c.454G>T on transcript NM_001378609.3 (MANE Select); coding-DNA position 454, G replaced by T.
Protein change: p.Asp152Tyr; replaces aspartic acid 152 with tyrosine.
Molecular consequence: missense variant.
Genome position (GRCh38, 1-based): chr12:80,222,210, G>T. VCF-style: chr12-80222210-G-T. GRCh37 (hg19) VCF-style: chr12-80615990-G-T.
Other names: c.454G>T, p.Asp152Tyr (NM_001368062.3, NM_001378610.3, NM_173591.7); c.427G>T (NM_173591.3); short protein forms D152Y.
Identifiers: ClinVar variation 930164 (VCV000930164.6), dbSNP rs1399912212, ClinGen allele CA385855983.
Genomic context (GRCh38, chr12:80,222,210, plus strand): 5'-GAAACATTCGATGGCATCTACTATTACTTCCCAGGAAACTGTTCTTACATTTTTGCAAAG[G>T]ACTGTGGTGATTTGGAGCCTCGGTACACTGTATGGGTAGGTGATTGTAGGACATGATTAA-3'
Protein context (NP_001365538.2, residues 142-162): PGNCSYIFAK[Asp152Tyr]CGDLEPRYTV

ClinVar aggregate classification (germline): Uncertain significance. Review status: criteria provided, multiple submitters, no conflicts (2 of 4 stars). 2 submissions from 2 submitters: Uncertain significance (2). Last evaluated 2022-02-10.

Conditions:
Inborn genetic diseases. Identifiers: MedGen C0950123, MeSH D030342.

Allele frequency attached by ClinVar (database versions not stated): gnomAD 0.00001; gnomAD exomes below 0.00001; TOPMed 0.00001.
gnomAD v4.1: 4 of 1,597,876 alleles (0.00025%); highest among the groups gnomAD compares: Non-Finnish European, 0.00034%; no homozygotes.

Submissions (2):

Ambry Genetics
Classification: Uncertain significance for Inborn genetic diseases. Last evaluated: 2022-02-10. Review status: criteria provided, single submitter. Criteria: Ambry Variant Classification Scheme 2023. Collection method: clinical testing. Allele origin: germline.

Laboratory for Molecular Medicine, Mass General Brigham Personalized Medicine
Classification: Uncertain significance. Last evaluated: 2019-09-18. Review status: criteria provided, single submitter. Criteria: LMM Criteria. Collection method: clinical testing. Allele origin: germline. Observed: 1 variant allele.
Comment: The p.Asp143Tyr variant in OTOGL has not been previously reported in individuals with hearing loss but has been identified in 0.0009% (1/108938) European chromosomes by gnomAD. Computational prediction tools and conservation analyses do not provide strong support for or against an impact to the protein. In summary, the clinical significance of this variant is uncertain. ACMG/AMP Criteria applied: PM2.